The following is an entry in ClinVar:

NM_000038.6(APC):c.1954C>A (p.His652Asn)

Gene: APC (APC regulator of Wnt signaling pathway; plus strand). Cytogenetic location: 5q22.2.
Variant type: single nucleotide variant.
Coding change: c.1954C>A on transcript NM_000038.6 (MANE Select); coding-DNA position 1954, C replaced by A.
Protein change: p.His652Asn; replaces histidine 652 with asparagine.
Molecular consequence: missense variant. On other transcripts: non-coding transcript variant (2).
Genome position (GRCh38, 1-based): chr5:112,835,161, C>A. VCF-style: chr5-112835161-C-A. GRCh37 (hg19) VCF-style: chr5-112170858-C-A.
Other names: c.1954C>A, p.His652Asn (NM_001127510.3, NM_001354895.2, NM_001407450.1); c.1900C>A, p.His634Asn (NM_001127511.3); c.2008C>A, p.His670Asn (NM_001354896.2, NM_001407447.1, NM_001407448.1 and 1 more transcripts); c.1984C>A, p.His662Asn (NM_001354897.2); c.1879C>A, p.His627Asn (NM_001354898.2); c.1870C>A, p.His624Asn (NM_001354899.2); c.1831C>A, p.His611Asn (NM_001354900.2); c.1777C>A, p.His593Asn (NM_001354901.2, NM_001407453.1); and 11 more; short protein forms H523N, H634N, H642N, H670N, H369N, H526N, H569N, H627N.
Identifiers: ClinVar variation 3304528 (VCV003304528.1).

ClinVar aggregate classification (germline): Uncertain significance (1 of 4 stars; one submission).

Conditions:
Hereditary cancer-predisposing syndrome. Also called: Tumor predisposition; Hereditary Cancer Syndrome; Hereditary neoplastic syndrome; Neoplastic Syndromes, Hereditary. Identifiers: Orphanet 140162, MedGen C0027672, MeSH D009386, MONDO:0015356.

Submission:

Ambry Genetics
Classification: Uncertain significance for Hereditary cancer-predisposing syndrome. Last evaluated: 2024-04-25. Review status: criteria provided, single submitter. Criteria: Ambry Variant Classification Scheme 2023. Collection method: clinical testing. Allele origin: germline.
Comment: The p.H652N variant (also known as c.1954C>A), located in coding exon 14 of the APC gene, results from a C to A substitution at nucleotide position 1954. The histidine at codon 652 is replaced by asparagine, an amino acid with similar properties. Missense alterations in APC are not a common cause of disease (Spier I et al. Genet Med. 2024 Feb;26(2):100992). This amino acid position is highly conserved in available vertebrate species. In addition, in silico predictors for this gene do not accurately predict pathogenicity. Based on the available evidence, the clinical significance of this variant remains unclear.